The following is an entry in ClinVar:

NM_001103.4(ACTN2):c.899C>T (p.Thr300Met)

Gene: ACTN2 (actinin alpha 2; plus strand). Cytogenetic location: 1q43.
Variant type: single nucleotide variant.
Coding change: c.899C>T on transcript NM_001103.4 (MANE Select); coding-DNA position 899, C replaced by T.
Protein change: p.Thr300Met; replaces threonine 300 with methionine.
Molecular consequence: missense variant.
Genome position (GRCh38, 1-based): chr1:236,739,324, C>T. VCF-style: chr1-236739324-C-T. GRCh37 (hg19) VCF-style: chr1-236902624-C-T.
Other names: c.899C>T, p.Thr300Met (NM_001278343.2); c.275C>T, p.Thr92Met (NM_001278344.2); short protein forms T300M, T92M.
Identifiers: ClinVar variation 238303 (VCV000238303.24), dbSNP rs144025957, ClinGen allele CA1473006.

ClinVar aggregate classification (germline): Conflicting classifications of pathogenicity. Review status: criteria provided, conflicting classifications (1 of 4 stars). 5 submissions from 5 submitters: Uncertain significance (4); Likely benign (1). Last evaluated 2026-01-01.

Conditions:
Cardiovascular phenotype. Identifiers: MedGen CN230736.
Primary familial hypertrophic cardiomyopathy (HCM). Identifiers: Orphanet 99739, MedGen C0949658, MeSH D024741, MONDO:0024573. Inheritance: Various modes of inheritance.
Dilated cardiomyopathy 1AA (CMD1AA). Also called: Cardiomyopathy, dilated, 1AA, with or without LVNC; CARDIOMYOPATHY, DILATED, 1AA, WITH OR WITHOUT LEFT VENTRICULAR NONCOMPACTION; CARDIOMYOPATHY, FAMILIAL HYPERTROPHIC, 23, WITH OR WITHOUT LEFT VENTRICULAR NONCOMPACTION. Identifiers: Orphanet 154, MedGen C2677338, MONDO:0012808, OMIM 612158.

Allele frequency attached by ClinVar (database versions not stated): gnomAD 0.00007; TOPMed 0.00007; ESP Exome Variant Server 0.00015; 1000 Genomes Project 30x 0.00016; 1000 Genomes Project 0.00020.
gnomAD v4.1: 99 of 1,613,992 alleles (0.0061%); highest among the groups gnomAD compares: Non-Finnish European, 0.0077%; no homozygotes.

Submissions (5):

CeGaT Center for Human Genetics Tuebingen
Classification: Uncertain significance. Last evaluated: 2026-01-01. Review status: criteria provided, single submitter. Criteria: CeGaT Center For Human Genetics Tuebingen Variant Classification Criteria Version 2. Collection method: clinical testing. Allele origin: germline. Affected: yes. Observed: 1 variant allele.

GeneDx
Classification: Uncertain significance. Last evaluated: 2025-12-09. Review status: criteria provided, single submitter. Criteria: GeneDx Variant Classification Process June 2021. Collection method: clinical testing. Allele origin: germline. Affected: yes.
Comment: In silico analysis supports that this missense variant has a deleterious effect on protein structure/function; Has not been previously published as pathogenic or benign to our knowledge

Labcorp Genetics (formerly Invitae), Labcorp
Classification: Likely benign for Primary familial hypertrophic cardiomyopathy; Dilated cardiomyopathy 1AA. Last evaluated: 2025-11-30. Review status: criteria provided, single submitter. Criteria: Invitae Variant Classification Sherloc (09022015). Collection method: clinical testing. Allele origin: germline.

Ambry Genetics
Classification: Uncertain significance for Cardiovascular phenotype. Last evaluated: 2024-06-26. Review status: criteria provided, single submitter. Criteria: Ambry Variant Classification Scheme 2023. Collection method: clinical testing. Allele origin: germline.
Comment: The p.T300M variant (also known as c.899C>T), located in coding exon 10 of the ACTN2 gene, results from a C to T substitution at nucleotide position 899. The threonine at codon 300 is replaced by methionine, an amino acid with similar properties. This amino acid position is highly conserved in available vertebrate species. In addition, the in silico prediction for this alteration is inconclusive. Since supporting evidence is limited at this time, the clinical significance of this alteration remains unclear.

ARUP Laboratories, Molecular Genetics and Genomics, ARUP Laboratories
Classification: Uncertain significance. Last evaluated: 2023-06-28. Review status: criteria provided, single submitter. Criteria: ARUP Molecular Germline Variant Investigation Process 2024. Collection method: clinical testing. Allele origin: germline.